The following is an entry in ClinVar:

ClinVar aggregate classification (germline): Pathogenic. Review status: criteria provided, single submitter (1 of 4 stars). 2 submissions from 1 submitter: Pathogenic (2). Last evaluated 2022-08-09.

Conditions:
Familial focal epilepsy with variable foci (FPEVF). Identifiers: Orphanet 98820, MedGen C1858477, MONDO:0020310.
Epilepsy, familial focal, with variable foci 1 (FFEVF1). Also called: DEPDC5-Related Epilepsy. Identifiers: MedGen C4551983, MONDO:0024556, OMIM 604364.

Submissions (2):

Labcorp Genetics (formerly Invitae), Labcorp
Classification: Pathogenic for Familial focal epilepsy with variable foci. Last evaluated: 2022-08-09. Review status: criteria provided, single submitter. Criteria: Invitae Variant Classification Sherloc (09022015). Collection method: clinical testing. Allele origin: germline.
Comment: For these reasons, this variant has been classified as Pathogenic. This variant has not been reported in the literature in individuals affected with DEPDC5-related conditions. This variant is a gross deletion of the genomic region encompassing exon(s) 3 of the DEPDC5 gene. This deletion is out-of-frame, and is expected to create a premature termination codon and result in an absent or disrupted protein product. Loss-of-function variants in DEPDC5 are known to be pathogenic (PMID: 23542697, 23542701).

Labcorp Genetics (formerly Invitae), Labcorp
Classification: Pathogenic for Familial focal epilepsy with variable foci. Last evaluated: 2018-10-08. Review status: criteria provided, single submitter. Criteria: Invitae Variant Classification Sherloc (09022015). Collection method: clinical testing. Allele origin: germline.
Comment: This variant is an out-of-frame deletion of the genomic region encompassing exon 3 of the DEPDC5 gene. This is expected to create a premature translational stop signal and result in an absent or disrupted protein product. Similar variants have not been reported in the literature in individuals with DEPDC5-related disease. Loss-of-function variants in DEPDC5 are known to be pathogenic (PMID: 23542697, 23542701). For these reasons, this variant has been classified as Pathogenic.

Literature cited by the submitters: PubMed 23542697; PubMed 23542701.

NC_000022.11:g.(?_31758526)_(31758653_?)del

Gene: DEPDC5 (DEP domain containing 5, GATOR1 subcomplex subunit; plus strand). Cytogenetic location: 22q12.2.
Variant type: Deletion.
Identifiers: ClinVar variation 584322 (VCV000584322.8).